The following is an entry in ClinVar:

NM_000275.3(OCA2):c.2323G>C (p.Gly775Arg)

Gene: OCA2 (OCA2 melanosomal transmembrane protein; minus strand). Cytogenetic location: 15q13.1.
Variant type: single nucleotide variant.
Coding change: c.2323G>C on transcript NM_000275.3 (MANE Select); coding-DNA position 2323, G replaced by C.
Protein change: p.Gly775Arg; replaces glycine 775 with arginine.
Molecular consequence: missense variant.
Genome position (GRCh38, 1-based): chr15:27,851,397, C>G on the plus strand (G>C on the coding strand, the complement: OCA2 is on the minus strand). VCF-style: chr15-27851397-C-G. GRCh37 (hg19) VCF-style: chr15-28096543-C-G.
Other names: c.2323G>C (NM_000275.2); c.2251G>C, p.Gly751Arg (NM_001300984.2); short protein forms G751R, G775R.
Identifiers: ClinVar variation 1460031 (VCV001460031.12), dbSNP rs774822330, ClinGen allele CA391359924.

ClinVar aggregate classification (germline): Pathogenic/Likely pathogenic. Review status: criteria provided, multiple submitters, no conflicts (2 of 4 stars). 5 submissions from 5 submitters: Pathogenic (4); Likely pathogenic (1). Last evaluated 2026-08-19.

Conditions:
Inborn genetic diseases. Identifiers: MedGen C0950123, MeSH D030342.
Oculocutaneous albinism. Identifiers: Orphanet 55, MedGen C0078918, MONDO:0018910.
Tyrosinase-positive oculocutaneous albinism (OCA2). Also called: Oculocutaneous albinism type 2; Albinism, oculocutaneous, type II; ALBINISM II. Identifiers: Orphanet 79432, MedGen C0268495, MONDO:0008746, OMIM 203200.

gnomAD v4.1: 6 of 1,613,792 alleles (0.00037%); highest among the groups gnomAD compares: African/African-American, 0.0013%; no homozygotes.

Submissions (5):

Myriad Genetics, Inc.
Classification: Likely pathogenic for Tyrosinase-positive oculocutaneous albinism. Last evaluated: 2026-08-19. Review status: criteria provided, single submitter. Criteria: Myriad Autosomal Dominant, Autosomal Recessive and X-Linked Classification Criteria (2023). Collection method: clinical testing. Allele origin: unknown.
Comment: NM_000275.2(OCA2):c.2323G>C(G775R) is a missense variant classified as likely pathogenic in the context of oculocutaneous albinism, OCA2-related. G775R has been observed in cases with relevant disease (PMID: 34838614, 37471664, 17385796). Relevant functional assessments of this variant are not available in the literature. G775R has not been observed in referenced population frequency databases. In summary, NM_000275.2(OCA2):c.2323G>C(G775R) is a missense variant that has been observed more frequently in cases with the relevant disease than in healthy populations. Please note: this variant was assessed in the context of healthy population screening.

Labcorp Genetics (formerly Invitae), Labcorp
Classification: Pathogenic. Last evaluated: 2026-01-19. Review status: criteria provided, single submitter. Criteria: Invitae Variant Classification Sherloc (09022015). Collection method: clinical testing. Allele origin: germline.
Comment: This sequence change replaces glycine, which is neutral and non-polar, with arginine, which is basic and polar, at codon 775 of the OCA2 protein (p.Gly775Arg). This variant is not present in population databases (gnomAD no frequency). This missense change has been observed in individual(s) with oculocutaneous albinism (PMID: 17385796, 18683130, 26165494). In at least one individual the data is consistent with being in trans (on the opposite chromosome) from a pathogenic variant. ClinVar contains an entry for this variant (Variation ID: 1460031). Invitae Evidence Modeling of protein sequence and biophysical properties (such as structural, functional, and spatial information, amino acid conservation, physicochemical variation, residue mobility, and thermodynamic stability) indicates that this missense variant is expected to disrupt OCA2 protein function with a positive predictive value of 80%. This variant disrupts the p.Gly775 amino acid residue in OCA2. Other variant(s) that disrupt this residue have been determined to be pathogenic (PMID: 20019752). This suggests that this residue is clinically significant, and that variants that disrupt this residue are likely to be disease-causing. For these reasons, this variant has been classified as Pathogenic.

Women's Health and Genetics/Laboratory Corporation of America, LabCorp
Classification: Pathogenic for Oculocutaneous albinism. Last evaluated: 2025-04-09. Review status: criteria provided, single submitter. Criteria: LabCorp Variant Classification Summary - May 2015. Collection method: clinical testing. Allele origin: germline.
Comment: Variant summary: OCA2 c.2323G>C (p.Gly775Arg) results in a non-conservative amino acid change in the encoded protein sequence. Five of five in-silico tools predict a damaging effect of the variant on protein function. The variant was absent in 249116 control chromosomes. c.2323G>C has been reported in the literature in multiple individuals affected with Oculocutaneous Albinism (examples: Wei_2022,Dai_2008, Hongyi_2007). These data indicate that the variant is very likely to be associated with disease. The following publications have been ascertained in the context of this evaluation (PMID: 18683130, 17385796, 34838614). ClinVar contains an entry for this variant (Variation ID: 1460031). Based on the evidence outlined above, the variant was classified as pathogenic.

Ambry Genetics
Classification: Pathogenic for Inborn genetic diseases. Last evaluated: 2024-09-23. Review status: criteria provided, single submitter. Criteria: Ambry Variant Classification Scheme 2023. Collection method: clinical testing. Allele origin: germline.
Comment: The c.2323G>C (p.G775R) alteration is located in exon 22 (coding exon 21) of the OCA2 gene. This alteration results from a G to C substitution at nucleotide position 2323, causing the glycine (G) at amino acid position 775 to be replaced by an arginine (R). This variant was not reported in population-based cohorts in the Genome Aggregation Database (gnomAD). This variant has been identified in the homozygous state and/or in conjunction with other OCA2 variants in individuals with features consistent with OCA2-related oculocutaneous albinism; in at least one instance, the variants were identified in trans (Hongyi, 2007; Wei, 2015; Wei, 2022). Other alterations at the same codon, c.2324G>A (p.G775D) and c.2323G>A (p.G775S), have also been detected in individuals with features consistent with OCA2-related oculocutaneous albinism (Johanson, 2010; Mauri, 2017; Qiu, 2018). This amino acid position is highly conserved in available vertebrate species. This alteration is predicted to be deleterious by in silico analysis. Based on the available evidence, this alteration is classified as pathogenic.

Juno Genomics, Hangzhou Juno Genomics, Inc
Classification: Pathogenic for Tyrosinase-positive oculocutaneous albinism. Review status: criteria provided, single submitter. Criteria: ACMG Guidelines, 2015. Collection method: clinical testing. Allele origin: germline.
Comment: Absent from controls (or at extremely low frequency if recessive) in Genome Aggregation Database.;Multiple lines of computational evidence support a deleterious effect on the gene or gene product.;For recessive disorders, detected in trans with a pathogenic variant.;Patient's phenotype or family history is highly specific for a disease with a single genetic etiology.;Novel missense change at an amino acid residue where a different missense change determined to be pathogenic has been seen before.

Literature cited by the submitters: PubMed 17385796 (cited by 4 submitters); PubMed 34838614 (cited by 3 submitters); PubMed 37471664 (cited by Myriad Genetics, Inc.); PubMed 18683130 (cited by Labcorp Genetics (formerly Invitae), Labcorp and Women's Health and Genetics/Laboratory Corporation of America, LabCorp); PubMed 26165494 (cited by Labcorp Genetics (formerly Invitae), Labcorp and Ambry Genetics); PubMed 20019752 (cited by Labcorp Genetics (formerly Invitae), Labcorp and Ambry Genetics); PubMed 27734839 (cited by Ambry Genetics); PubMed 29437493 (cited by Ambry Genetics).